The following is an entry in ClinVar:

NM_001083961.2(WDR62):c.2588G>A (p.Arg863His)

Gene: WDR62 (WD repeat domain 62; plus strand). Cytogenetic location: 19q13.12.
Variant type: single nucleotide variant.
Coding change: c.2588G>A on transcript NM_001083961.2 (MANE Select); coding-DNA position 2588, G replaced by A.
Protein change: p.Arg863His; replaces arginine 863 with histidine.
Molecular consequence: missense variant.
Genome position (GRCh38, 1-based): chr19:36,099,466, G>A. VCF-style: chr19-36099466-G-A. GRCh37 (hg19) VCF-style: chr19-36590368-G-A.
Other names: c.2588G>A, p.Arg863His (NM_173636.5); short protein forms R863H.
Identifiers: ClinVar variation 977845 (VCV000977845.3), dbSNP rs751765649, ClinGen allele CA9395999.

ClinVar aggregate classification (germline): Uncertain significance. Review status: criteria provided, single submitter (1 of 4 stars). 2 submissions from 2 submitters: Uncertain significance (1). 1 of the submissions does not count toward it. Last evaluated 2023-08-18.

Conditions:
Microcephaly 2, primary, autosomal recessive, with or without cortical malformations. Also called: MICROCEPHALY 2, PRIMARY, AUTOSOMAL RECESSIVE, WITH CORTICAL MALFORMATIONS; WDR62 Primary Microcephaly. Identifiers: Orphanet 2512, MedGen C1858535, MONDO:0011435, OMIM 604317.

Allele frequency attached by ClinVar (database versions not stated): gnomAD exomes below 0.00001; ExAC 0.00002.
gnomAD v4.1: 6 of 1,613,936 alleles (0.00037%); highest among the groups gnomAD compares: South Asian, 0.0022%; no homozygotes.

Submissions (2):

Institute of Human Genetics, University of Leipzig Medical Center
Classification: Uncertain significance for Microcephaly 2, primary, autosomal recessive, with or without cortical malformations. Last evaluated: 2023-08-18. Review status: criteria provided, single submitter. Criteria: ACMG Guidelines, 2015. Collection method: clinical testing. Allele origin: unknown. Inheritance: Autosomal recessive inheritance. Affected: yes.
Comment: Criteria applied: PM3,PM2_SUP,PP3

Service de Génétique Moléculaire, Hôpital Robert Debré
Classification: Pathogenic for Microcephaly 2, primary, autosomal recessive, with or without cortical malformations. Review status: no assertion criteria provided. Collection method: clinical testing. Allele origin: unknown. Affected: yes. Not counted in ClinVar's aggregate classification.